The following is an entry in ClinVar:

ClinVar aggregate classification (germline): Uncertain significance (1 of 4 stars; one submission).

Submission:

Ambry Genetics
Classification: Uncertain significance. Last evaluated: 2023-07-21. Review status: criteria provided, single submitter. Criteria: Ambry Variant Classification Scheme 2023. Collection method: clinical testing. Allele origin: germline.
Comment: The p.G310A variant (also known as c.929G>C), located in coding exon 6 of the BUB3 gene, results from a G to C substitution at nucleotide position 929. The glycine at codon 310 is replaced by alanine, an amino acid with similar properties. This amino acid position is conserved. In addition, this alteration is predicted to be tolerated by in silico analysis. Since supporting evidence is limited at this time, the clinical significance of this alteration remains unclear.

NM_004725.4(BUB3):c.929G>C (p.Gly310Ala)

Gene: BUB3 (BUB3 mitotic checkpoint protein; plus strand). Cytogenetic location: 10q26.13.
Variant type: single nucleotide variant.
Coding change: c.929G>C on transcript NM_004725.4 (MANE Select); coding-DNA position 929, G replaced by C.
Protein change: p.Gly310Ala; replaces glycine 310 with alanine.
Molecular consequence: missense variant.
Genome position (GRCh38, 1-based): chr10:123,162,786, G>C. VCF-style: chr10-123162786-G-C. GRCh37 (hg19) VCF-style: chr10-124922302-G-C.
Other names: c.929G>C, p.Gly310Ala (NM_001007793.3); short protein forms G310A.
Identifiers: ClinVar variation 2621420 (VCV002621420.2), dbSNP rs1482889609, ClinGen allele CA378627230.